The following is an entry in ClinVar:

NM_001012759.3(CTU2):c.1160G>A (p.Arg387His)

Gene: CTU2 (cytosolic thiouridylase subunit 2; plus strand). Cytogenetic location: 16q24.3.
Variant type: single nucleotide variant.
Coding change: c.1160G>A on transcript NM_001012759.3 (MANE Select); coding-DNA position 1160, G replaced by A.
Protein change: p.Arg387His; replaces arginine 387 with histidine.
Molecular consequence: missense variant.
Genome position (GRCh38, 1-based): chr16:88,714,445, G>A. VCF-style: chr16-88714445-G-A. GRCh37 (hg19) VCF-style: chr16-88780853-G-A.
Other names: c.1160G>A, p.Arg387His (NM_001012762.3); c.1373G>A, p.Arg458His (NM_001318507.2); c.899G>A, p.Arg300His (NM_001318513.2); c.1160G>A (NM_001012759.2); short protein forms R387H, R300H, R458H.
Identifiers: ClinVar variation 2460670 (VCV002460670.4), dbSNP rs551005079, ClinGen allele CA8230877.

ClinVar aggregate classification (germline): Uncertain significance. Review status: criteria provided, single submitter (1 of 4 stars). 2 submissions from 2 submitters: Uncertain significance (1). 1 of the submissions does not count toward it. Last evaluated 2023-02-14.

Conditions:
CTU2-related disorder. Also called: CTU2-related condition.

Allele frequency attached by ClinVar (database versions not stated): gnomAD 0.00010; gnomAD exomes 0.00012; 1000 Genomes Project 30x 0.00016; 1000 Genomes Project 0.00020; ExAC 0.00020.

Submissions (2):

Ambry Genetics
Classification: Uncertain significance. Last evaluated: 2023-02-14. Review status: criteria provided, single submitter. Criteria: Ambry Variant Classification Scheme 2023. Collection method: clinical testing. Allele origin: germline.

PreventionGenetics, part of Exact Sciences
Classification: Likely benign for CTU2-related condition. Last evaluated: 2022-04-06. Review status: no assertion criteria provided. Collection method: clinical testing. Allele origin: germline. Not counted in ClinVar's aggregate classification.
Comment: This variant is classified as likely benign based on ACMG/AMP sequence variant interpretation guidelines (Richards et al. 2015 PMID: 25741868, with internal and published modifications).